The following is an entry in ClinVar:

ClinVar aggregate classification (germline): Likely benign. Review status: criteria provided, multiple submitters, no conflicts (2 of 4 stars). 3 submissions from 3 submitters: Likely benign (2). 1 of the submissions does not count toward it. Last evaluated 2026-08-01.

Conditions:
SGPL1-related disorder. Also called: SGPL1-related condition. Identifiers: MedGen CN380158.

Allele frequency attached by ClinVar (database versions not stated): gnomAD exomes below 0.00001 and 0.00001; gnomAD 0.00001 and 0.00002; TOPMed 0.00004.
gnomAD v4.1: 11 of 1,614,120 alleles (0.00068%); highest among the groups gnomAD compares: Admixed American, 0.015%; no homozygotes.

Submissions (3):

CeGaT Center for Human Genetics Tuebingen
Classification: Likely benign. Last evaluated: 2026-08-01. Review status: criteria provided, single submitter. Criteria: CeGaT Center For Human Genetics Tuebingen Variant Classification Criteria Version 2. Collection method: clinical testing. Allele origin: germline. Affected: yes. Observed: 1 variant allele.
Comment: SGPL1: BP4, BP7

Labcorp Genetics (formerly Invitae), Labcorp
Classification: Likely benign. Last evaluated: 2025-11-25. Review status: criteria provided, single submitter. Criteria: Invitae Variant Classification Sherloc (09022015). Collection method: clinical testing. Allele origin: germline.

PreventionGenetics, part of Exact Sciences
Classification: Likely benign for SGPL1-related condition. Last evaluated: 2022-12-19. Review status: no assertion criteria provided. Collection method: clinical testing. Allele origin: germline. Not counted in ClinVar's aggregate classification.
Comment: This variant is classified as likely benign based on ACMG/AMP sequence variant interpretation guidelines (Richards et al. 2015 PMID: 25741868, with internal and published modifications).

NM_003901.4(SGPL1):c.1101T>C (p.Ser367=)

Gene: SGPL1 (sphingosine-1-phosphate lyase 1; plus strand). Cytogenetic location: 10q22.1.
Variant type: single nucleotide variant.
Coding change: c.1101T>C on transcript NM_003901.4 (MANE Select); coding-DNA position 1101, T replaced by C.
Protein change: p.Ser367=; no amino-acid change (serine 367 retained).
Molecular consequence: synonymous variant.
Genome position (GRCh38, 1-based): chr10:70,873,392, T>C. VCF-style: chr10-70873392-T-C. GRCh37 (hg19) VCF-style: chr10-72633149-T-C.
Other names: c.1101T>C (NM_003901.3).
Identifiers: ClinVar variation 1557888 (VCV001557888.12), dbSNP rs972818538, ClinGen allele CA209395867.
Genomic context (GRCh38, chr10:70,873,392, plus strand): 5'-TCTGCTACTTCTTCCACAGTATGGCTATGCCCCAAAAGGCTCATCATTGGTGTTGTATAG[T>C]GACAAGAAGTACAGGAACTATCAGTTCTTCGTCGATACAGATTGGCAGGGTGGCATCTAT-3'
Protein context (NP_003892.2, residues 357-377): APKGSSLVLY[Ser367=]DKKYRNYQFF